The following is an entry in ClinVar:

NM_001367624.2(ZNF469):c.9563G>A (p.Trp3188Ter)

Gene: ZNF469 (zinc finger protein 469; plus strand). Cytogenetic location: 16q24.2.
Variant type: single nucleotide variant.
Coding change: c.9563G>A on transcript NM_001367624.2 (MANE Select); coding-DNA position 9563, G replaced by A.
Protein change: p.Trp3188Ter; replaces tryptophan 3188 with a stop codon.
Molecular consequence: nonsense.
Genome position (GRCh38, 1-based): chr16:88,437,033, G>A. VCF-style: chr16-88437033-G-A. GRCh37 (hg19) VCF-style: chr16-88503441-G-A.
Other names: NM_001127464.1:c.9479G>A; short protein forms W3188*.
Identifiers: ClinVar variation 3390777 (VCV003390777.1).

ClinVar aggregate classification (germline): Uncertain significance (1 of 4 stars; one submission).

gnomAD v4.1: 1 of 1,532,508 alleles (0.000065%); highest among the groups gnomAD compares: Non-Finnish European, 0.000088%; no homozygotes.

Submission:

GeneDx
Classification: Uncertain significance. Last evaluated: 2024-06-10. Review status: criteria provided, single submitter. Criteria: GeneDx Variant Classification Process June 2021. Collection method: clinical testing. Allele origin: germline. Affected: yes.
Comment: Not observed at significant frequency in large population cohorts (gnomAD); Nonsense variant predicted to result in protein truncation as the last 766 amino acids are lost, although loss-of-function variants have not been reported downstream of this position in the protein; Has not been previously published as pathogenic or benign to our knowledge